The following is an entry in ClinVar:

ClinVar aggregate classification (germline): Uncertain significance (1 of 4 stars; one submission).

Allele frequency attached by ClinVar (database versions not stated): gnomAD exomes below 0.00001; TOPMed below 0.00001; ExAC 0.00001.
gnomAD v4.1: 1 of 1,614,110 alleles (0.000062%); highest among the groups gnomAD compares: Middle Eastern, 0.016%; no homozygotes.

Submission:

Labcorp Genetics (formerly Invitae), Labcorp
Classification: Uncertain significance. Last evaluated: 2022-02-05. Review status: criteria provided, single submitter. Criteria: Invitae Variant Classification Sherloc (09022015). Collection method: clinical testing. Allele origin: germline.
Comment: In summary, the available evidence is currently insufficient to determine the role of this variant in disease. Therefore, it has been classified as a Variant of Uncertain Significance. Algorithms developed to predict the effect of missense changes on protein structure and function output the following: SIFT: "Tolerated"; PolyPhen-2: "Benign"; Align-GVGD: "Class C0". The leucine amino acid residue is found in multiple mammalian species, which suggests that this missense change does not adversely affect protein function. This variant has not been reported in the literature in individuals affected with TRAF3IP1-related conditions. This variant is present in population databases (rs773044849, gnomAD 0.0009%). This sequence change replaces proline, which is neutral and non-polar, with leucine, which is neutral and non-polar, at codon 448 of the TRAF3IP1 protein (p.Pro448Leu).

NM_015650.4(TRAF3IP1):c.1343C>T (p.Pro448Leu)

Gene: TRAF3IP1 (TRAF3 interacting protein 1; plus strand). Cytogenetic location: 2q37.3.
Variant type: single nucleotide variant.
Coding change: c.1343C>T on transcript NM_015650.4 (MANE Select); coding-DNA position 1343, C replaced by T.
Protein change: p.Pro448Leu; replaces proline 448 with leucine.
Molecular consequence: missense variant.
Genome position (GRCh38, 1-based): chr2:238,348,824, C>T. VCF-style: chr2-238348824-C-T. GRCh37 (hg19) VCF-style: chr2-239257465-C-T.
Other names: c.1145C>T, p.Pro382Leu (NM_001139490.1); short protein forms P382L, P448L.
Identifiers: ClinVar variation 1442422 (VCV001442422.8), dbSNP rs773044849, ClinGen allele CA2198414.